The following is an entry in ClinVar:

ClinVar aggregate classification (germline): Uncertain significance (1 of 4 stars; one submission).

Submission:

GeneDx
Classification: Uncertain significance. Last evaluated: 2024-04-17. Review status: criteria provided, single submitter. Criteria: GeneDx Variant Classification Process June 2021. Collection method: clinical testing. Allele origin: germline. Affected: yes.
Comment: Not observed at significant frequency in large population cohorts (gnomAD); In silico analysis supports that this missense variant has a deleterious effect on protein structure/function; Has not been previously published as pathogenic or benign to our knowledge

NM_006939.4(SOS2):c.3872C>G (p.Pro1291Arg)

Gene: SOS2 (SOS Ras/Rho guanine nucleotide exchange factor 2; minus strand). Cytogenetic location: 14q21.3.
Variant type: single nucleotide variant.
Coding change: c.3872C>G on transcript NM_006939.4 (MANE Select); coding-DNA position 3872, C replaced by G.
Protein change: p.Pro1291Arg; replaces proline 1291 with arginine.
Molecular consequence: missense variant.
Genome position (GRCh38, 1-based): chr14:50,118,471, G>C on the plus strand (C>G on the coding strand, the complement: SOS2 is on the minus strand). VCF-style: chr14-50118471-G-C. GRCh37 (hg19) VCF-style: chr14-50585189-G-C.
Other names: c.3773C>G, p.Pro1258Arg (NM_001411020.1); short protein forms P1258R, P1291R.
Identifiers: ClinVar variation 3372665 (VCV003372665.1).